The following is an entry in ClinVar:

NM_016653.3(MAP3K20):c.1027G>A (p.Asp343Asn)

Genes: MAP3K20 (mitogen-activated protein kinase kinase kinase 20; plus strand), MAP3K20-AS1 (MAP3K20 antisense RNA 1; minus strand). Cytogenetic location: 2q31.1.
Variant type: single nucleotide variant.
Coding change: c.1027G>A on transcript NM_016653.3 (MANE Select); coding-DNA position 1027, G replaced by A.
Protein change: p.Asp343Asn; replaces aspartic acid 343 with asparagine.
Molecular consequence: missense variant.
Genome position (GRCh38, 1-based): chr2:173,229,728, G>A. VCF-style: chr2-173229728-G-A. GRCh37 (hg19) VCF-style: chr2-174094456-G-A.
Other names: short protein forms D343N.
Identifiers: ClinVar variation 1383800 (VCV001383800.5), dbSNP rs573728560, ClinGen allele CA1970704.

ClinVar aggregate classification (germline): Uncertain significance (1 of 4 stars; one submission).

Allele frequency attached by ClinVar (database versions not stated): ExAC 0.00002; gnomAD exomes 0.00002; 1000 Genomes Project 0.00020; 1000 Genomes Project 30x 0.00031.
gnomAD v4.1: 15 of 1,614,086 alleles (0.00093%); highest among the groups gnomAD compares: East Asian, 0.0067%; no homozygotes.

Submission:

Labcorp Genetics (formerly Invitae), Labcorp
Classification: Uncertain significance. Last evaluated: 2024-05-20. Review status: criteria provided, single submitter. Criteria: Invitae Variant Classification Sherloc (09022015). Collection method: clinical testing. Allele origin: germline.
Comment: This sequence change replaces aspartic acid, which is acidic and polar, with asparagine, which is neutral and polar, at codon 343 of the MAP3K20 protein (p.Asp343Asn). This variant is present in population databases (rs573728560, gnomAD 0.01%). This variant has not been reported in the literature in individuals affected with MAP3K20-related conditions. ClinVar contains an entry for this variant (Variation ID: 1383800). Advanced modeling of protein sequence and biophysical properties (such as structural, functional, and spatial information, amino acid conservation, physicochemical variation, residue mobility, and thermodynamic stability) performed at Invitae indicates that this missense variant is not expected to disrupt MAP3K20 protein function with a negative predictive value of 95%. In summary, the available evidence is currently insufficient to determine the role of this variant in disease. Therefore, it has been classified as a Variant of Uncertain Significance.